The following is an entry in ClinVar:

ClinVar aggregate classification (germline): Pathogenic (1 of 4 stars; one submission).

Conditions:
Renal carnitine transport defect (CDSP). Also called: Carnitine Deficiency, Systemic; CARNITINE DEFICIENCY, SYSTEMIC, DUE TO DEFECT IN RENAL REABSORPTION OF CARNITINE; CARNITINE TRANSPORTER, PLASMA-MEMBRANE, DEFICIENCY OF; CARNITINE UPTAKE DEFECT; Primary carnitine deficiency; Systemic primary carnitine deficiency. Identifiers: Orphanet 158, MedGen C0342788, MONDO:0008919, OMIM 212140.

Submission:

Myriad Genetics, Inc.
Classification: Pathogenic for Renal carnitine transport defect. Last evaluated: 2024-05-11. Review status: criteria provided, single submitter. Criteria: Myriad Autosomal Dominant, Autosomal Recessive and X-Linked Classification Criteria (2023). Collection method: clinical testing. Allele origin: unknown.
Comment: NM_003060.3(SLC22A5):c.860delA(Q287Rfs*9) is expected to be pathogenic in the context of primary carnitine deficiency. This variant is predicted to lead to an abnormal or absent protein product due to the creation of a premature termination codon in SLC22A5, a gene where loss-of-function variants are known to be pathogenic. Please note: this variant was assessed in the context of healthy population screening.

NM_003060.4(SLC22A5):c.860del (p.Gln287fs)

Gene: SLC22A5 (solute carrier family 22 member 5; plus strand). Cytogenetic location: 5q31.1.
Variant type: Deletion.
Coding change: c.860del on transcript NM_003060.4 (MANE Select); coding-DNA position 860, one base deleted (A; older notation c.860delA).
Protein change: p.Gln287fs; shifts the reading frame from glutamine 287.
Molecular consequence: frameshift variant.
Genome position (GRCh38, 1-based): chr5:132,387,060, A deleted. VCF-style (leftmost placement, unchanged base first): chr5-132387059-CA-C. GRCh37 (hg19) VCF-style: chr5-131722751-CA-C.
Other names: c.932del, p.Gln311fs (NM_001308122.2); short protein forms Q287fs, Q311fs.
Identifiers: ClinVar variation 5013036 (VCV005013036.1).
Genomic context (GRCh38, chr5:132,387,059, plus strand): 5'-ACTGAGATTGGACCTTGTACTGCCAGGTTCATCCCTGAGTCCCCCCGATGGCTCATCTCT[CA>C]GGGACGATTTGAAGAGGCAGAGGTGATCATCCGCAAGGCTGCCAAAGCCAATGGGATTGT-3'